The following is an entry in ClinVar:

NM_003482.4(KMT2D):c.3318del (p.Ser1107fs)

Gene: KMT2D (lysine methyltransferase 2D; minus strand). Cytogenetic location: 12q13.12.
Variant type: Deletion.
Coding change: c.3318del on transcript NM_003482.4 (MANE Select); coding-DNA position 3318, one base deleted (C; older notation c.3318delC).
Protein change: p.Ser1107fs; shifts the reading frame from serine 1107.
Molecular consequence: frameshift variant.
Genome position (GRCh38, 1-based): chr12:49,050,270, G deleted on the plus strand (C on the coding strand, the reverse complement: KMT2D is on the minus strand); the first of 5 consecutive G bases (chr12:49,050,270-49,050,274); deleting any one gives the same sequence. VCF-style (leftmost placement, unchanged base first): chr12-49050269-TG-T. GRCh37 (hg19) VCF-style: chr12-49444052-TG-T.
Other names: short protein forms S1107fs.
Identifiers: ClinVar variation 1070943 (VCV001070943.7), dbSNP rs2120648164, ClinGen allele CA2499221720.

ClinVar aggregate classification (germline): Pathogenic (1 of 4 stars; one submission).

Conditions:
Kabuki syndrome. Also called: NIIKAWA-KUROKI SYNDROME; Kabuki make-up syndrome. Identifiers: Orphanet 2322, MedGen C0796004, MONDO:0016512.

Submission:

Labcorp Genetics (formerly Invitae), Labcorp
Classification: Pathogenic for Kabuki syndrome. Last evaluated: 2020-03-23. Review status: criteria provided, single submitter. Criteria: Invitae Variant Classification Sherloc (09022015). Collection method: clinical testing. Allele origin: germline.
Comment: This variant is not present in population databases (ExAC no frequency). This sequence change creates a premature translational stop signal (p.Ser1107Alafs*12) in the KMT2D gene. It is expected to result in an absent or disrupted protein product. This variant has not been reported in the literature in individuals with KMT2D-related conditions. Loss-of-function variants in KMT2D are known to be pathogenic (PMID: 22126750). For these reasons, this variant has been classified as Pathogenic.

Literature cited by the submitters: PubMed 22126750.